The following is an entry in ClinVar:

ClinVar aggregate classification (germline): Uncertain significance. Review status: criteria provided, multiple submitters, no conflicts (2 of 4 stars). 2 submissions from 2 submitters: Uncertain significance (2). Last evaluated 2024-02-27.

Conditions:
Inborn genetic diseases. Identifiers: MedGen C0950123, MeSH D030342.

Allele frequency attached by ClinVar (database versions not stated): TOPMed below 0.00001; ExAC 0.00003.

Submissions (2):

Ambry Genetics
Classification: Uncertain significance for Inborn genetic diseases. Last evaluated: 2024-02-27. Review status: criteria provided, single submitter. Criteria: Ambry Variant Classification Scheme 2023. Collection method: clinical testing. Allele origin: germline.

Labcorp Genetics (formerly Invitae), Labcorp
Classification: Uncertain significance. Last evaluated: 2023-08-22. Review status: criteria provided, single submitter. Criteria: Invitae Variant Classification Sherloc (09022015). Collection method: clinical testing. Allele origin: germline.
Comment: This variant has not been reported in the literature in individuals affected with ZIC1-related conditions. Advanced modeling of protein sequence and biophysical properties (such as structural, functional, and spatial information, amino acid conservation, physicochemical variation, residue mobility, and thermodynamic stability) performed at Invitae indicates that this missense variant is not expected to disrupt ZIC1 protein function. In summary, the available evidence is currently insufficient to determine the role of this variant in disease. Therefore, it has been classified as a Variant of Uncertain Significance. This variant is present in population databases (rs751258379, gnomAD 0.006%). This sequence change replaces methionine, which is neutral and non-polar, with threonine, which is neutral and polar, at codon 171 of the ZIC1 protein (p.Met171Thr).

NM_003412.4(ZIC1):c.512T>C (p.Met171Thr)

Gene: ZIC1 (Zic family zinc finger 1; plus strand). Cytogenetic location: 3q24.
Variant type: single nucleotide variant.
Coding change: c.512T>C on transcript NM_003412.4 (MANE Select); coding-DNA position 512, T replaced by C.
Protein change: p.Met171Thr; replaces methionine 171 with threonine.
Molecular consequence: missense variant.
Genome position (GRCh38, 1-based): chr3:147,410,624, T>C. VCF-style: chr3-147410624-T-C. GRCh37 (hg19) VCF-style: chr3-147128411-T-C.
Other names: c.512T>C (NM_003412.3); short protein forms M171T.
Identifiers: ClinVar variation 2901217 (VCV002901217.4), dbSNP rs751258379, ClinGen allele CA2657093.
Genomic context (GRCh38, chr3:147,410,624, plus strand): 5'-CCGGCCACGCGTCGCCTAACGTGGTCAACGGGCAGATGAGGCTCGGCTTCTCGGGGGACA[T>C]GTACCCGCGACCGGAGCAGTACGGCCAGGTGACCAGCCCGCGTTCGGAGCACTATGCTGC-3'
Protein context (NP_003403.2, residues 161-181): GQMRLGFSGD[Met171Thr]YPRPEQYGQV